The following is an entry in ClinVar:

ClinVar aggregate classification (germline): Uncertain significance. Review status: criteria provided, multiple submitters, no conflicts (2 of 4 stars). 2 submissions from 2 submitters: Uncertain significance (2). Last evaluated 2022-06-11.

Conditions:
Fanconi anemia complementation group E (FANCE). Also called: FANCE-Related Fanconi Anemia. Identifiers: Orphanet 84, MedGen C3160739, MONDO:0010953, OMIM 600901.

Allele frequency attached by ClinVar (database versions not stated): TOPMed 0.00002.
gnomAD v4.1: 2 of 1,613,920 alleles (0.00012%); highest among the groups gnomAD compares: African/African-American, 0.0027%; no homozygotes.

Submissions (2):

Labcorp Genetics (formerly Invitae), Labcorp
Classification: Uncertain significance for Fanconi anemia complementation group E. Last evaluated: 2022-06-11. Review status: criteria provided, single submitter. Criteria: Invitae Variant Classification Sherloc (09022015). Collection method: clinical testing. Allele origin: germline.
Comment: This sequence change replaces arginine, which is basic and polar, with glutamine, which is neutral and polar, at codon 89 of the FANCE protein (p.Arg89Gln). This variant is present in population databases (rs45600543, gnomAD 0.007%). This variant has not been reported in the literature in individuals affected with FANCE-related conditions. ClinVar contains an entry for this variant (Variation ID: 1030773). Algorithms developed to predict the effect of missense changes on protein structure and function output the following: SIFT: "Tolerated"; PolyPhen-2: "Benign"; Align-GVGD: "Class C0". The glutamine amino acid residue is found in multiple mammalian species, which suggests that this missense change does not adversely affect protein function. In summary, the available evidence is currently insufficient to determine the role of this variant in disease. Therefore, it has been classified as a Variant of Uncertain Significance.

Baylor Genetics
Classification: Uncertain significance for Fanconi anemia complementation group E. Last evaluated: 2019-08-09. Review status: criteria provided, single submitter. Criteria: ACMG Guidelines, 2015. Collection method: clinical testing. Allele origin: unknown. Affected: yes.
Comment: This variant was determined to be of uncertain significance according to ACMG Guidelines, 2015 [PMID:25741868].

NM_021922.3(FANCE):c.266G>A (p.Arg89Gln)

Gene: FANCE (FA complementation group E; plus strand). Cytogenetic location: 6p21.31.
Variant type: single nucleotide variant.
Coding change: c.266G>A on transcript NM_021922.3 (MANE Select); coding-DNA position 266, G replaced by A.
Protein change: p.Arg89Gln; replaces arginine 89 with glutamine.
Molecular consequence: missense variant.
Genome position (GRCh38, 1-based): chr6:35,455,764, G>A. VCF-style: chr6-35455764-G-A. GRCh37 (hg19) VCF-style: chr6-35423541-G-A.
Other names: short protein forms R89Q.
Identifiers: ClinVar variation 1030773 (VCV001030773.4), dbSNP rs45600543, ClinGen allele CA3771369.
Genomic context (GRCh38, chr6:35,455,764, plus strand): 5'-TTCAGCCAAACACTTAACTGCTTGCTCTCCCTCTGCTACCCAGGAAACCACTGTTGCTGC[G>A]ATTGCCCCGGATATGCCAGAGGAACCTGATGTCCCTGCTGATGGCCGTTCGGCCATCGCT-3'
Protein context (NP_068741.1, residues 79-99): GRLELKPLLL[Arg89Gln]LPRICQRNLM